The following is an entry in ClinVar:

ClinVar aggregate classification (germline): Uncertain significance (1 of 4 stars; one submission).

gnomAD v4.1: 70 of 1,614,078 alleles (0.0043%); highest among the groups gnomAD compares: Non-Finnish European, 0.0059%; no homozygotes.

Submission:

Labcorp Genetics (formerly Invitae), Labcorp
Classification: Uncertain significance. Last evaluated: 2025-09-14. Review status: criteria provided, single submitter. Criteria: Invitae Variant Classification Sherloc (09022015). Collection method: clinical testing. Allele origin: germline.
Comment: This sequence change replaces proline, which is neutral and non-polar, with threonine, which is neutral and polar, at codon 842 of the TCF20 protein (p.Pro842Thr). This variant is present in population databases (rs772750401, gnomAD 0.0009%). This variant has not been reported in the literature in individuals affected with TCF20-related conditions. An algorithm developed to predict the effect of missense changes on protein structure and function (PolyPhen-2) suggests that this variant is likely to be tolerated. In summary, the available evidence is currently insufficient to determine the role of this variant in disease. Therefore, it has been classified as a Variant of Uncertain Significance.

NM_001378418.1(TCF20):c.2524C>A (p.Pro842Thr)

Gene: TCF20 (transcription factor 20; minus strand). Cytogenetic location: 22q13.2.
Variant type: single nucleotide variant.
Coding change: c.2524C>A on transcript NM_001378418.1 (MANE Select); coding-DNA position 2524, C replaced by A.
Protein change: p.Pro842Thr; replaces proline 842 with threonine.
Molecular consequence: missense variant.
Genome position (GRCh38, 1-based): chr22:42,212,782, G>T on the plus strand (C>A on the coding strand, the complement: TCF20 is on the minus strand). VCF-style: chr22-42212782-G-T. GRCh37 (hg19) VCF-style: chr22-42608788-G-T.
Other names: c.2524C>A, p.Pro842Thr (NM_005650.4, NM_181492.3); short protein forms P842T.
Identifiers: ClinVar variation 4702161 (VCV004702161.1).
Genomic context (GRCh38, chr22:42,212,782, plus strand): 5'-CAGAGAGGGAACCCCCAGGCTCATGTGCTGATGACTGAGGCTCTATTTCAAACTTTCTGG[G>T]AATTGGATAGTCAGTCAAATTGATCTGTTTCATTTCAGGAGCTGTGCTGCTTGATTTCCT-3'
Protein context (NP_001365347.1, residues 832-852): KQINLTDYPI[Pro842Thr]RKFEIEPQSS